The following is an entry in ClinVar:

NM_024408.4(NOTCH2):c.4814T>C (p.Met1605Thr)

Gene: NOTCH2 (notch receptor 2; minus strand). Cytogenetic location: 1p12.
Variant type: single nucleotide variant.
Coding change: c.4814T>C on transcript NM_024408.4 (MANE Select); coding-DNA position 4814, T replaced by C.
Protein change: p.Met1605Thr; replaces methionine 1605 with threonine.
Molecular consequence: missense variant.
Genome position (GRCh38, 1-based): chr1:119,923,682, A>G on the plus strand (T>C on the coding strand, the complement: NOTCH2 is on the minus strand). VCF-style: chr1-119923682-A-G. GRCh37 (hg19) VCF-style: chr1-120466305-A-G.
Other names: short protein forms M1605T.
Identifiers: ClinVar variation 2897042 (VCV002897042.3), dbSNP rs2526140860, ClinGen allele CA341888512.

ClinVar aggregate classification (germline): Uncertain significance (1 of 4 stars; one submission).

Conditions:
Hajdu-Cheney syndrome (HJCYS). Also called: ACROOSTEOLYSIS WITH OSTEOPOROSIS AND CHANGES IN SKULL AND MANDIBLE; SERPENTINE FIBULA-POLYCYSTIC KIDNEY SYNDROME; Acroosteolysis dominant type. Identifiers: Orphanet 955, MedGen C0917715, MONDO:0007057, OMIM 102500.

Allele frequency attached by ClinVar (database versions not stated): gnomAD exomes 0.00001.

Submission:

Labcorp Genetics (formerly Invitae), Labcorp
Classification: Uncertain significance for Hajdu-Cheney syndrome. Last evaluated: 2022-12-10. Review status: criteria provided, single submitter. Criteria: Invitae Variant Classification Sherloc (09022015). Collection method: clinical testing. Allele origin: germline.
Comment: In summary, the available evidence is currently insufficient to determine the role of this variant in disease. Therefore, it has been classified as a Variant of Uncertain Significance. Advanced modeling of protein sequence and biophysical properties (such as structural, functional, and spatial information, amino acid conservation, physicochemical variation, residue mobility, and thermodynamic stability) performed at Invitae indicates that this missense variant is not expected to disrupt NOTCH2 protein function. This variant has not been reported in the literature in individuals affected with NOTCH2-related conditions. This variant is not present in population databases (gnomAD no frequency). This sequence change replaces methionine, which is neutral and non-polar, with threonine, which is neutral and polar, at codon 1605 of the NOTCH2 protein (p.Met1605Thr).